The following is an entry in ClinVar:

NM_003743.5(NCOA1):c.1670G>C (p.Ser557Thr)

Gene: NCOA1 (nuclear receptor coactivator 1; plus strand). Cytogenetic location: 2p23.3.
Variant type: single nucleotide variant.
Coding change: c.1670G>C on transcript NM_003743.5 (MANE Select); coding-DNA position 1670, G replaced by C.
Protein change: p.Ser557Thr; replaces serine 557 with threonine.
Molecular consequence: missense variant.
Genome position (GRCh38, 1-based): chr2:24,707,140, G>C. VCF-style: chr2-24707140-G-C. GRCh37 (hg19) VCF-style: chr2-24930009-G-C.
Other names: c.1670G>C, p.Ser557Thr (NM_001362950.1, NM_001362952.1, NM_001362954.1 and 3 more transcripts); short protein forms S557T.
Identifiers: ClinVar variation 3353747 (VCV003353747.2).

ClinVar aggregate classification (germline): Uncertain significance (1 of 4 stars; one submission).

Conditions:
NCOA1-related disorder. Also called: NCOA1-related condition.

gnomAD v4.1: 120 of 1,614,088 alleles (0.0074%); highest among the groups gnomAD compares: Non-Finnish European, 0.01%; no homozygotes.

Submission:

PreventionGenetics, part of Exact Sciences
Classification: Uncertain significance for NCOA1-related condition. Last evaluated: 2025-07-21. Review status: criteria provided, single submitter. Criteria: ACMG Guidelines, 2015. Collection method: clinical testing. Allele origin: germline.
Comment: The NCOA1 c.1670G>C variant is predicted to result in the amino acid substitution p.Ser557Thr. This variant has been reported in individuals with severe obesity and in vitro studies suggest that the variant causes a reduction in NCOA1-induced expression of POMC (Figure 3f in Yang et al. 2019. PubMed ID: 30979869; Table 1 and Figure 2 in Cacciottolo et al. 2022. PMID: 35137184). This variant is reported in 0.0054% of alleles in individuals of European (Non-Finnish) descent in gnomAD. Although we suspect that this variant may be pathogenic, the clinical significance of this variant is classified as uncertain at this time due to insufficient functional and genetic evidence.